The following is an entry in ClinVar:

NM_020745.4(AARS2):c.2266C>T (p.Arg756Cys)

Gene: AARS2 (alanyl-tRNA synthetase 2, mitochondrial; minus strand). Cytogenetic location: 6p21.1.
Variant type: single nucleotide variant.
Coding change: c.2266C>T on transcript NM_020745.4 (MANE Select); coding-DNA position 2266, C replaced by T.
Protein change: p.Arg756Cys; replaces arginine 756 with cysteine.
Molecular consequence: missense variant.
Genome position (GRCh38, 1-based): chr6:44,302,900, G>A on the plus strand (C>T on the coding strand, the complement: AARS2 is on the minus strand). VCF-style: chr6-44302900-G-A. GRCh37 (hg19) VCF-style: chr6-44270637-G-A.
Other names: short protein forms R756C.
Identifiers: ClinVar variation 357060 (VCV000357060.10), dbSNP rs753324375, ClinGen allele CA3834037.

ClinVar aggregate classification (germline): Uncertain significance. Review status: criteria provided, multiple submitters, no conflicts (2 of 4 stars). 4 submissions from 4 submitters: Uncertain significance (4). Last evaluated 2025-04-09.

Conditions:
Combined oxidative phosphorylation defect type 8. Also called: CARDIOMYOPATHY, HYPERTROPHIC MITOCHONDRIAL, FATAL INFANTILE. Identifiers: Orphanet 319504, MedGen C4518839, MONDO:0013570, OMIM 614096.
Cardiovascular phenotype. Identifiers: MedGen CN230736.

Allele frequency attached by ClinVar (database versions not stated): gnomAD 0.00006 and 0.00007; gnomAD exomes 0.00007 and 0.00009; TOPMed 0.00007; ExAC 0.00009.
gnomAD v4.1: 117 of 1,613,952 alleles (0.0072%); highest among the groups gnomAD compares: Admixed American, 0.023%; no homozygotes.

Submissions (4):

Molecular Diagnostic Laboratory for Inherited Cardiovascular Disease, Montreal Heart Institute
Classification: Uncertain significance for Cardiovascular phenotype. Last evaluated: 2025-04-09. Review status: criteria provided, single submitter. Criteria: ACMG Guidelines, 2015. Collection method: clinical testing. Allele origin: germline. Affected: yes.

Labcorp Genetics (formerly Invitae), Labcorp
Classification: Uncertain significance. Last evaluated: 2023-02-13. Review status: criteria provided, single submitter. Criteria: Invitae Variant Classification Sherloc (09022015). Collection method: clinical testing. Allele origin: germline.
Comment: In summary, the available evidence is currently insufficient to determine the role of this variant in disease. Therefore, it has been classified as a Variant of Uncertain Significance. Advanced modeling of protein sequence and biophysical properties (such as structural, functional, and spatial information, amino acid conservation, physicochemical variation, residue mobility, and thermodynamic stability) performed at Invitae indicates that this missense variant is not expected to disrupt AARS2 protein function. ClinVar contains an entry for this variant (Variation ID: 357060). This variant has not been reported in the literature in individuals affected with AARS2-related conditions. This variant is present in population databases (rs753324375, gnomAD 0.1%). This sequence change replaces arginine, which is basic and polar, with cysteine, which is neutral and slightly polar, at codon 756 of the AARS2 protein (p.Arg756Cys).

Baylor Genetics
Classification: Uncertain significance for Combined oxidative phosphorylation defect type 8. Last evaluated: 2022-03-23. Review status: criteria provided, single submitter. Criteria: ACMG Guidelines, 2015. Collection method: clinical testing. Allele origin: unknown.

Illumina Laboratory Services, Illumina
Classification: Uncertain significance for Combined oxidative phosphorylation defect type 8. Last evaluated: 2018-01-13. Review status: criteria provided, single submitter. Criteria: ICSL Variant Classification Criteria 13 December 2019. Collection method: clinical testing. Allele origin: germline.